The following is an entry in ClinVar:

NM_001440.4(EXTL3):c.1609C>T (p.Arg537Cys)

Gene: EXTL3 (exostosin like glycosyltransferase 3; plus strand). Cytogenetic location: 8p21.1.
Variant type: single nucleotide variant.
Coding change: c.1609C>T on transcript NM_001440.4 (MANE Select); coding-DNA position 1609, C replaced by T.
Protein change: p.Arg537Cys; replaces arginine 537 with cysteine.
Molecular consequence: missense variant.
Genome position (GRCh38, 1-based): chr8:28,717,668, C>T. VCF-style: chr8-28717668-C-T. GRCh37 (hg19) VCF-style: chr8-28575185-C-T.
Other names: short protein forms R537C.
Identifiers: ClinVar variation 1713510 (VCV001713510.5), dbSNP rs775024686, ClinGen allele CA4696252.

ClinVar aggregate classification (germline): Uncertain significance (1 of 4 stars; one submission).

Allele frequency attached by ClinVar (database versions not stated): gnomAD exomes below 0.00001.
gnomAD v4.1: 4 of 1,614,232 alleles (0.00025%); highest among the groups gnomAD compares: Non-Finnish European, 0.00034%; no homozygotes.

Submission:

Labcorp Genetics (formerly Invitae), Labcorp
Classification: Uncertain significance. Last evaluated: 2022-08-23. Review status: criteria provided, single submitter. Criteria: Invitae Variant Classification Sherloc (09022015). Collection method: clinical testing. Allele origin: germline.
Comment: This missense change has been observed in individual(s) with clinical features of EXTL3-related disorders (Invitae). Algorithms developed to predict the effect of missense changes on protein structure and function are either unavailable or do not agree on the potential impact of this missense change (SIFT: "Deleterious"; PolyPhen-2: "Probably Damaging"; Align-GVGD: "Class C15"). In summary, the available evidence is currently insufficient to determine the role of this variant in disease. Therefore, it has been classified as a Variant of Uncertain Significance. This variant is present in population databases (rs775024686, gnomAD 0.0009%). This sequence change replaces arginine, which is basic and polar, with cysteine, which is neutral and slightly polar, at codon 537 of the EXTL3 protein (p.Arg537Cys).